The following is an entry in ClinVar:

ClinVar aggregate classification (germline): Uncertain significance (0 of 4 stars; one submission).

Conditions:
ADCY3-related disorder. Also called: ADCY3-related condition.

gnomAD v4.1: 12 of 1,613,896 alleles (0.00074%); highest among the groups gnomAD compares: South Asian, 0.0022%; no homozygotes.

Submission:

PreventionGenetics, part of Exact Sciences
Classification: Uncertain significance for ADCY3-related condition. Last evaluated: 2024-07-12. Review status: no assertion criteria provided. Collection method: clinical testing. Allele origin: germline.
Comment: The ADCY3 c.1606G>A variant is predicted to result in the amino acid substitution p.Gly536Arg. To our knowledge, this variant has not been reported in the literature. This variant is reported in 0.0033% of alleles in individuals of South Asian descent in gnomAD. At this time, the clinical significance of this variant is uncertain due to the absence of conclusive functional and genetic evidence.

NM_004036.5(ADCY3):c.1606G>A (p.Gly536Arg)

Gene: ADCY3 (adenylate cyclase 3; minus strand). Cytogenetic location: 2p23.3.
Variant type: single nucleotide variant.
Coding change: c.1606G>A on transcript NM_004036.5 (MANE Select); coding-DNA position 1606, G replaced by A.
Protein change: p.Gly536Arg; replaces glycine 536 with arginine.
Molecular consequence: missense variant.
Genome position (GRCh38, 1-based): chr2:24,836,973, C>T on the plus strand (G>A on the coding strand, the complement: ADCY3 is on the minus strand). VCF-style: chr2-24836973-C-T. GRCh37 (hg19) VCF-style: chr2-25059842-C-T.
Other names: c.1606G>A, p.Gly536Arg (NM_001320613.2, NM_001377129.1, NM_001377130.1 and 1 more transcripts); c.1672G>A, p.Gly558Arg (NM_001377128.1); c.883G>A, p.Gly295Arg (NM_001377131.1); short protein forms G295R, G536R, G558R.
Identifiers: ClinVar variation 3354583 (VCV003354583.1).